The following is an entry in ClinVar:

ClinVar aggregate classification (germline): Uncertain significance. Review status: criteria provided, multiple submitters, no conflicts (2 of 4 stars). 2 submissions from 2 submitters: Uncertain significance (2). Last evaluated 2025-06-01.

Conditions:
Hereditary cancer-predisposing syndrome. Also called: Neoplastic Syndromes, Hereditary; Hereditary neoplastic syndrome; Hereditary Cancer Syndrome; Tumor predisposition. Identifiers: Orphanet 140162, MedGen C0027672, MeSH D009386, MONDO:0015356.

Submissions (2):

Ambry Genetics
Classification: Uncertain significance for Hereditary cancer-predisposing syndrome. Last evaluated: 2025-06-01. Review status: criteria provided, single submitter. Criteria: Ambry Variant Classification Scheme 2023. Collection method: clinical testing. Allele origin: germline.
Comment: The p.I722T variant (also known as c.2165T>C), located in coding exon 14 of the CTNNA1 gene, results from a T to C substitution at nucleotide position 2165. The isoleucine at codon 722 is replaced by threonine, an amino acid with similar properties. This amino acid position is conserved. In addition, this alteration is predicted to be deleterious by in silico analysis. Based on the available evidence, the clinical significance of this variant remains unclear.

Labcorp Genetics (formerly Invitae), Labcorp
Classification: Uncertain significance. Last evaluated: 2023-05-08. Review status: criteria provided, single submitter. Criteria: Invitae Variant Classification Sherloc (09022015). Collection method: clinical testing. Allele origin: germline.
Comment: In summary, the available evidence is currently insufficient to determine the role of this variant in disease. Therefore, it has been classified as a Variant of Uncertain Significance. Advanced modeling of protein sequence and biophysical properties (such as structural, functional, and spatial information, amino acid conservation, physicochemical variation, residue mobility, and thermodynamic stability) performed at Invitae indicates that this missense variant is expected to disrupt CTNNA1 protein function. This variant has not been reported in the literature in individuals affected with CTNNA1-related conditions. This variant is not present in population databases (gnomAD no frequency). This sequence change replaces isoleucine, which is neutral and non-polar, with threonine, which is neutral and polar, at codon 722 of the CTNNA1 protein (p.Ile722Thr).

NM_001903.5(CTNNA1):c.2165T>C (p.Ile722Thr)

Gene: CTNNA1 (catenin alpha 1; plus strand). Cytogenetic location: 5q31.2.
Variant type: single nucleotide variant.
Coding change: c.2165T>C on transcript NM_001903.5 (MANE Select); coding-DNA position 2165, T replaced by C.
Protein change: p.Ile722Thr; replaces isoleucine 722 with threonine.
Molecular consequence: missense variant.
Genome position (GRCh38, 1-based): chr5:138,930,627, T>C. VCF-style: chr5-138930627-T-C. GRCh37 (hg19) VCF-style: chr5-138266316-T-C.
Other names: c.2165T>C, p.Ile722Thr (NM_001290307.3, NM_001323982.2, NM_001323983.1 and 2 more transcripts); c.1856T>C, p.Ile619Thr (NM_001290309.3); c.1796T>C, p.Ile599Thr (NM_001290310.3); c.1055T>C, p.Ile352Thr (NM_001290312.1, NM_001323987.1, NM_001323988.1 and 17 more transcripts); c.2072T>C, p.Ile691Thr (NM_001323986.2); c.716T>C, p.Ile239Thr (NM_001324006.1, NM_001324007.1, NM_001324008.1 and 2 more transcripts); c.962T>C, p.Ile321Thr (NM_001324011.1); c.812T>C, p.Ile271Thr (NM_001324012.1, NM_001324013.1); and 1 more; short protein forms I352T, I691T, I271T, I321T, I619T, I239T, I599T, I722T.
Identifiers: ClinVar variation 2978579 (VCV002978579.4), dbSNP rs2533851170, ClinGen allele CA361133664.